The following is an entry in ClinVar:

NM_017534.6(MYH2):c.5786A>G (p.Lys1929Arg)

Genes: MYH2 (myosin heavy chain 2; minus strand), MYHAS (myosin heavy chain gene cluster antisense RNA; plus strand). Cytogenetic location: 17p13.1.
Variant type: single nucleotide variant.
Coding change: c.5786A>G on transcript NM_017534.6 (MANE Select); coding-DNA position 5786, A replaced by G.
Protein change: p.Lys1929Arg; replaces lysine 1929 with arginine.
Molecular consequence: missense variant.
Genome position (GRCh38, 1-based): chr17:10,521,320, T>C on the plus strand (A>G on the coding strand, the complement: MYH2 is on the minus strand). VCF-style: chr17-10521320-T-C. GRCh37 (hg19) VCF-style: chr17-10424637-T-C.
Other names: c.5786A>G, p.Lys1929Arg (NM_001100112.2); short protein forms K1929R.
Identifiers: ClinVar variation 954441 (VCV000954441.7), dbSNP rs1197611302, ClinGen allele CA398110044.

ClinVar aggregate classification (germline): Uncertain significance (1 of 4 stars; one submission).

Conditions:
Myopathy, proximal, and ophthalmoplegia (CMYO6). Also called: MYOPATHY WITH CONGENITAL JOINT CONTRACTURES, OPHTHALMOPLEGIA, AND RIMMED VACUOLES; CONGENITAL MYOPATHY 6 WITH OPHTHALMOPLEGIA; INCLUSION BODY MYOPATHY 3, AUTOSOMAL DOMINANT. Identifiers: Orphanet 363677, Orphanet 79091, MedGen C1854106, MONDO:0011577, OMIM 605637.

Allele frequency attached by ClinVar (database versions not stated): gnomAD exomes below 0.00001 and 0.00001.
gnomAD v4.1: 1 of 1,614,152 alleles (0.000062%); highest among the groups gnomAD compares: Non-Finnish European, 0.000085%; no homozygotes.

Submission:

Labcorp Genetics (formerly Invitae), Labcorp
Classification: Uncertain significance for Myopathy, proximal, and ophthalmoplegia. Last evaluated: 2024-05-07. Review status: criteria provided, single submitter. Criteria: Invitae Variant Classification Sherloc (09022015). Collection method: clinical testing. Allele origin: germline.
Comment: This sequence change replaces lysine, which is basic and polar, with arginine, which is basic and polar, at codon 1929 of the MYH2 protein (p.Lys1929Arg). This variant is present in population databases (no rsID available, gnomAD 0.002%). This variant has not been reported in the literature in individuals affected with MYH2-related conditions. ClinVar contains an entry for this variant (Variation ID: 954441). Advanced modeling of protein sequence and biophysical properties (such as structural, functional, and spatial information, amino acid conservation, physicochemical variation, residue mobility, and thermodynamic stability) performed at Invitae indicates that this missense variant is not expected to disrupt MYH2 protein function with a negative predictive value of 80%. Algorithms developed to predict the effect of sequence changes on RNA splicing suggest that this variant may create or strengthen a splice site. In summary, the available evidence is currently insufficient to determine the role of this variant in disease. Therefore, it has been classified as a Variant of Uncertain Significance.